The following is an entry in ClinVar:

NM_201384.3(PLEC):c.8727C>T (p.Thr2909=)

Gene: PLEC (plectin; minus strand). Cytogenetic location: 8q24.3.
Variant type: single nucleotide variant.
Coding change: c.8727C>T on transcript NM_201384.3 (MANE Select); coding-DNA position 8727, C replaced by T.
Protein change: p.Thr2909=; no amino-acid change (threonine 2909 retained).
Molecular consequence: synonymous variant.
Genome position (GRCh38, 1-based): chr8:143,921,094, G>A on the plus strand (C>T on the coding strand, the complement: PLEC is on the minus strand). VCF-style: chr8-143921094-G-A. GRCh37 (hg19) VCF-style: chr8-144995262-G-A.
Other names: c.8808C>T, p.Thr2936= (NM_000445.5); c.8685C>T, p.Thr2895= (NM_201378.4); c.8661C>T, p.Thr2887= (NM_201379.3); c.9138C>T, p.Thr3046= (NM_201380.4); c.8631C>T, p.Thr2877= (NM_201381.3); c.8727C>T, p.Thr2909= (NM_201382.4); c.8739C>T, p.Thr2913= (NM_201383.3).
Identifiers: ClinVar variation 448079 (VCV000448079.12), dbSNP rs370129235, ClinGen allele CA4925206.

ClinVar aggregate classification (germline): Likely benign. Review status: criteria provided, multiple submitters, no conflicts (2 of 4 stars). 5 submissions from 5 submitters: Likely benign (4). 1 of the submissions does not count toward it. Last evaluated 2025-06-13.

Conditions:
Autosomal recessive limb-girdle muscular dystrophy type 2Q (LGMDR17). Also called: MUSCULAR DYSTROPHY, LIMB-GIRDLE, AUTOSOMAL RECESSIVE 17. Identifiers: Orphanet 254361, MedGen C3150989, MONDO:0013390, OMIM 613723.
Epidermolysis bullosa simplex with nail dystrophy (EBS5D). Identifiers: MedGen C4225309, MONDO:0014661, OMIM 616487.
Epidermolysis bullosa simplex 5C, with pyloric atresia (EBS5C). Also called: PLEC1-Related Epidermolysis Bullosa with Pyloric Atresia; PLEC-Related Epidermolysis Bullosa with Pyloric Atresia; Epidermolysis bullosa simplex with pyloric atresia. Identifiers: Orphanet 158684, MedGen C2677349, MONDO:0012807, OMIM 612138.
Epidermolysis bullosa simplex, Ogna type (EBS5A). Also called: Pidermolysis bullosa simplex 5A, Ogna type; EPIDERMOLYSIS BULLOSA SIMPLEX 5A, OGNA TYPE. Identifiers: Orphanet 79401, MedGen C0432317, MONDO:0007555, OMIM 131950.
Epidermolysis bullosa simplex 5B, with muscular dystrophy (EBS5B). Also called: Epidermolysis bullosa simplex with muscular dystrophy; EPIDERMOLYSIS BULLOSA SIMPLEX AND LIMB-GIRDLE MUSCULAR DYSTROPHY. Identifiers: Orphanet 257, MedGen C2931072, MONDO:0009181, OMIM 226670.
PLEC-related disorder. Also called: PLEC-related condition; PLEC-related disorders.

Allele frequency attached by ClinVar (database versions not stated): gnomAD 0.00014; ESP Exome Variant Server 0.00015; TOPMed 0.00019; 1000 Genomes Project 0.00060; 1000 Genomes Project 30x 0.00062.
gnomAD v4.1: 112 of 1,612,054 alleles (0.0069%); highest among the groups gnomAD compares: African/African-American, 0.028%; 1 homozygote.

Submissions (5):

Labcorp Genetics (formerly Invitae), Labcorp
Classification: Likely benign for Autosomal recessive limb-girdle muscular dystrophy type 2Q; Epidermolysis bullosa simplex, Ogna type; Epidermolysis bullosa simplex with nail dystrophy; Epidermolysis bullosa simplex 5C, with pyloric atresia; Epidermolysis bullosa simplex 5B, with muscular dystrophy. Last evaluated: 2025-06-13. Review status: criteria provided, single submitter. Criteria: Invitae Variant Classification Sherloc (09022015). Collection method: clinical testing. Allele origin: germline.

Blueprint Genetics
Classification: Likely benign. Last evaluated: 2023-03-21. Review status: criteria provided, single submitter. Criteria: ACMG Guidelines, 2015. Collection method: clinical testing. Allele origin: germline.

GeneDx
Classification: Likely benign. Last evaluated: 2018-02-01. Review status: criteria provided, single submitter. Criteria: GeneDx Variant Classification (06012015). Collection method: clinical testing. Allele origin: germline. Affected: yes.
Comment: This variant is considered likely benign or benign based on one or more of the following criteria: it is a conservative change, it occurs at a poorly conserved position in the protein, it is predicted to be benign by multiple in silico algorithms, and/or has population frequency not consistent with disease.

Athena Diagnostics
Classification: Likely benign. Last evaluated: 2017-05-03. Review status: criteria provided, single submitter. Criteria: Athena Diagnostics Criteria. Collection method: clinical testing. Allele origin: germline.

PreventionGenetics, part of Exact Sciences
Classification: Likely benign for PLEC-related condition. Last evaluated: 2019-06-27. Review status: no assertion criteria provided. Collection method: clinical testing. Allele origin: germline. Not counted in ClinVar's aggregate classification.
Comment: This variant is classified as likely benign based on ACMG/AMP sequence variant interpretation guidelines (Richards et al. 2015 PMID: 25741868, with internal and published modifications).